The following is an entry in ClinVar:

NM_000751.3(CHRND):c.1400G>T (p.Arg467Leu)

Gene: CHRND (cholinergic receptor nicotinic delta subunit; plus strand). Cytogenetic location: 2q37.1.
Variant type: single nucleotide variant.
Coding change: c.1400G>T on transcript NM_000751.3 (MANE Select); coding-DNA position 1400, G replaced by T.
Protein change: p.Arg467Leu; replaces arginine 467 with leucine.
Molecular consequence: missense variant.
Genome position (GRCh38, 1-based): chr2:232,535,158, G>T. VCF-style: chr2-232535158-G-T. GRCh37 (hg19) VCF-style: chr2-233399868-G-T.
Other names: c.1355G>T, p.Arg452Leu (NM_001256657.2); c.818G>T, p.Arg273Leu (NM_001311195.2); c.1097G>T, p.Arg366Leu (NM_001311196.2); short protein forms R273L, R366L, R467L, R452L.
Identifiers: ClinVar variation 1033119 (VCV001033119.3), dbSNP rs148939701, ClinGen allele CA351005945.
Genomic context (GRCh38, chr2:232,535,158, plus strand): 5'-TCTCACCCCACTCTCTCTGCCCCTACCCACAGGAGAAAGACAGCTGGAACCGAGTGGCCC[G>T]CACAGTGGACCGCCTCTGCCTGTTTGTGGTGACGCCTGTCATGGTGGTGGGCACAGCCTG-3'
Protein context (NP_000742.1, residues 457-477): EEKDSWNRVA[Arg467Leu]TVDRLCLFVV

ClinVar aggregate classification (germline): Uncertain significance. Review status: criteria provided, multiple submitters, no conflicts (2 of 4 stars). 2 submissions from 2 submitters: Uncertain significance (2). Last evaluated 2024-08-02.

Conditions:
Lethal multiple pterygium syndrome (LMPS). Identifiers: Orphanet 33108, MedGen C1854678, MONDO:0009668, OMIM 253290.

Allele frequency attached by ClinVar (database versions not stated): TOPMed 0.00001.
gnomAD v4.1: 4 of 1,614,042 alleles (0.00025%); highest among the groups gnomAD compares: Non-Finnish European, 0.00025%; no homozygotes.

Submissions (2):

Labcorp Genetics (formerly Invitae), Labcorp
Classification: Uncertain significance for Lethal multiple pterygium syndrome. Last evaluated: 2024-08-02. Review status: criteria provided, single submitter. Criteria: Invitae Variant Classification Sherloc (09022015). Collection method: clinical testing. Allele origin: germline.
Comment: This sequence change replaces arginine, which is basic and polar, with leucine, which is neutral and non-polar, at codon 467 of the CHRND protein (p.Arg467Leu). This variant is not present in population databases (gnomAD no frequency). This variant has not been reported in the literature in individuals affected with CHRND-related conditions. ClinVar contains an entry for this variant (Variation ID: 1033119). Advanced modeling of protein sequence and biophysical properties (such as structural, functional, and spatial information, amino acid conservation, physicochemical variation, residue mobility, and thermodynamic stability) performed at Invitae indicates that this missense variant is not expected to disrupt CHRND protein function with a negative predictive value of 80%. In summary, the available evidence is currently insufficient to determine the role of this variant in disease. Therefore, it has been classified as a Variant of Uncertain Significance.

Baylor Genetics
Classification: Uncertain significance for Lethal multiple pterygium syndrome. Last evaluated: 2018-09-20. Review status: criteria provided, single submitter. Criteria: ACMG Guidelines, 2015. Collection method: clinical testing. Allele origin: maternal. Affected: yes.
Comment: This variant was determined to be of uncertain significance according to ACMG Guidelines, 2015 [PMID:25741868].